The following is an entry in ClinVar:

ClinVar aggregate classification (germline): Uncertain significance (1 of 4 stars; one submission).

Conditions:
Birt-Hogg-Dube syndrome. Also called: Birt Hogg Dubé syndrome. Identifiers: Orphanet 122, MedGen C0346010, MONDO:0800444.

Submission:

Labcorp Genetics (formerly Invitae), Labcorp
Classification: Uncertain significance for Birt-Hogg-Dube syndrome. Last evaluated: 2024-04-13. Review status: criteria provided, single submitter. Criteria: Invitae Variant Classification Sherloc (09022015). Collection method: clinical testing. Allele origin: germline.
Comment: This variant, c.1632_1634del, results in the deletion of 1 amino acid(s) of the FLCN protein (p.Glu544del), but otherwise preserves the integrity of the reading frame. This variant is present in population databases (no rsID available, gnomAD 0.01%). This variant has not been reported in the literature in individuals affected with FLCN-related conditions. Experimental studies and prediction algorithms are not available or were not evaluated, and the functional significance of this variant is currently unknown. In summary, the available evidence is currently insufficient to determine the role of this variant in disease. Therefore, it has been classified as a Variant of Uncertain Significance.

NM_144997.7(FLCN):c.1629GGA[1] (p.Glu544del)

Gene: FLCN (folliculin; minus strand). Cytogenetic location: 17p11.2.
Variant type: Microsatellite.
Coding change: c.1629GGA[1] on transcript NM_144997.7 (MANE Select); one copy of the 3-base unit GGA starting at c.1629; the reference has two copies in a row; one copy, 3 bases deleted.
Protein change: p.Glu544del; deletes glutamic acid 544.
Molecular consequence: inframe deletion.
Genome position (GRCh38, 1-based): chr17:17,213,761-17,213,763, TCC deleted on the plus strand (GGA on the coding strand, the reverse complement: FLCN is on the minus strand); deleting any 3 consecutive bases within chr17:17,213,761-17,213,768 gives the same sequence; the position shown is the placement nearest the transcript's 3' end. VCF-style (leftmost placement, unchanged base first): chr17-17213760-GTCC-G. GRCh37 (hg19) VCF-style: chr17-17117074-GTCC-G.
Other names: c.1683GGA[1], p.Glu562del (NM_001353229.2); c.1629GGA[1], p.Glu544del (NM_001353230.2, NM_001353231.2); short protein forms E544del, E562del.
Identifiers: ClinVar variation 1447126 (VCV001447126.7), dbSNP rs1169650174, ClinGen allele CA625014831.
Genomic context (GRCh38, chr17:17,213,760, plus strand): 5'-GAGGTGTGACTTGTAGGTCTTGCTCAGGCCAGTCATCCAGAACTTCAGCAGCTTGACATT[GTCC>G]TCCTCGGACGCACCCAGGATGCTCAGCAGCTTCTGTGTGTCCTCTTTGGGTCGACTGTCC-3'